The following is an entry in ClinVar:

ClinVar aggregate classification (germline): Conflicting classifications of pathogenicity. Review status: criteria provided, conflicting classifications (1 of 4 stars). 8 submissions from 6 submitters: Uncertain significance (1); Likely benign (5). 2 of the submissions do not count toward it. Last evaluated 2024-10-21.

Conditions:
Acute febrile neutrophilic dermatosis (AFND). Also called: Gomm Button disease; Sweet Syndrome. Identifiers: Orphanet 3243, MedGen C0085077, MONDO:0011959, OMIM 608068.
Familial Mediterranean fever, autosomal dominant. Also called: FMF, AUTOSOMAL DOMINANT; Dominant Familial Mediterranean Fever. Identifiers: Orphanet 342, MedGen C1851347, MONDO:0007601, OMIM 134610.
Familial Mediterranean fever (FMF). Also called: POLYSEROSITIS, FAMILIAL PAROXYSMAL; POLYSEROSITIS, RECURRENT; Periodic peritonitis; Benign paroxysmal peritonitis. Identifiers: Orphanet 342, MedGen C0031069, MONDO:0018088, OMIM 249100. Disease mechanism: gain of function.

Allele frequency attached by ClinVar (database versions not stated): ExAC below 0.00001; gnomAD exomes below 0.00001 and 0.00001; TOPMed below 0.00001; gnomAD 0.00001.
gnomAD v4.1: 3 of 1,554,626 alleles (0.00019%); highest among the groups gnomAD compares: South Asian, 0.0012%; no homozygotes.

Submissions (8):

Labcorp Genetics (formerly Invitae), Labcorp
Classification: Likely benign for Familial Mediterranean fever. Last evaluated: 2024-10-21. Review status: criteria provided, single submitter. Criteria: Invitae Variant Classification Sherloc (09022015). Collection method: clinical testing. Allele origin: germline.

Genome-Nilou Lab
Classification: Uncertain significance for Familial Mediterranean fever. Last evaluated: 2023-02-08. Review status: criteria provided, single submitter. Criteria: ACMG Guidelines, 2015. Collection method: clinical testing. Allele origin: germline.

Genome-Nilou Lab
Classification: Likely benign for Familial Mediterranean fever, autosomal dominant. Last evaluated: 2023-02-08. Review status: criteria provided, single submitter. Criteria: ACMG Guidelines, 2015. Collection method: clinical testing. Allele origin: germline.

Genome-Nilou Lab
Classification: Likely benign for Acute febrile neutrophilic dermatosis. Last evaluated: 2023-02-08. Review status: criteria provided, single submitter. Criteria: ACMG Guidelines, 2015. Collection method: clinical testing. Allele origin: germline.

Women's Health and Genetics/Laboratory Corporation of America, LabCorp
Classification: Likely benign. Last evaluated: 2018-12-24. Review status: criteria provided, single submitter. Criteria: LabCorp Variant Classification Summary - May 2015. Collection method: clinical testing. Allele origin: germline.
Comment: Variant summary: MEFV c.540G>C results in a synonymous change. 5/5 computational tools predict no significant impact on normal splicing. However, these predictions have yet to be confirmed by functional studies. The variant allele was found at a frequency of 6.6e-06 in 150946 control chromosomes (gnomAD). The available data on variant occurrences in the general population are insufficient to allow any conclusion about variant significance. Though c.540G>C has been reported in the literature in some Turkish individuals affected with Familial Mediterranean Fever, authors listed the variant as a polymorphism (Berdeli 2011, Nalbantoglu 2013). In addition, co-occurrences with two other pathogenic variants have been reported in patients (Infever database: MEFV p.Met694Val / p.Met694Val and p.Met694Val / p.Val726Ala), and co-occurrence with another pathogenic MEFV variant (p.Met694Val) was also reported in an asymptomatic individual (Karakose 2017), providing supporting evidence for a benign role. To our knowledge, no experimental evidence demonstrating an impact on protein function has been reported. One clinical diagnostic laboratory has submitted clinical-significance assessments for this variant to ClinVar after 2014 without evidence for independent evaluation, and classified the variant as likely benign. Based on the evidence outlined above, the variant was classified as likely benign.

GeneDx
Classification: Likely benign. Last evaluated: 2017-04-18. Review status: criteria provided, single submitter. Criteria: GeneDx Variant Classification (06012015). Collection method: clinical testing. Allele origin: germline. Affected: yes.
Comment: This variant is considered likely benign or benign based on one or more of the following criteria: it is a conservative change, it occurs at a poorly conserved position in the protein, it is predicted to be benign by multiple in silico algorithms, and/or has population frequency not consistent with disease.

Molecular Genetics Laboratory, BC Children's and BC Women's Hospitals
Classification: Likely benign for Familial Mediterranean fever. Last evaluated: 2023-09-07. Review status: no assertion criteria provided. Criteria: ACMG Guidelines, 2015. Collection method: clinical testing. Allele origin: germline. Affected: yes. Not counted in ClinVar's aggregate classification.

Unité médicale des maladies autoinflammatoires, CHRU Montpellier
No classification provided. Condition: Familial Mediterranean fever. Review status: no classification provided. Collection method: not provided. Allele origin: unknown. Not counted in ClinVar's aggregate classification.

Literature cited by the submitters: PubMed 28340799 (cited by Women's Health and Genetics/Laboratory Corporation of America, LabCorp); PubMed 21413889 (cited by Women's Health and Genetics/Laboratory Corporation of America, LabCorp); PubMed 22934972 (cited by Women's Health and Genetics/Laboratory Corporation of America, LabCorp).

NM_000243.3(MEFV):c.540G>C (p.Pro180=)

Gene: MEFV (MEFV innate immunity regulator, pyrin; minus strand). Cytogenetic location: 16p13.3.
Variant type: single nucleotide variant.
Coding change: c.540G>C on transcript NM_000243.3 (MANE Select); coding-DNA position 540, G replaced by C.
Protein change: p.Pro180=; no amino-acid change (proline 180 retained).
Molecular consequence: synonymous variant. On other transcripts: intron variant (1).
Genome position (GRCh38, 1-based): chr16:3,254,528, C>G on the plus strand (G>C on the coding strand, the complement: MEFV is on the minus strand). VCF-style: chr16-3254528-C-G. GRCh37 (hg19) VCF-style: chr16-3304528-C-G.
Other names: c.277+1783G>C (NM_001198536.2).
Identifiers: ClinVar variation 97531 (VCV000097531.7), dbSNP rs104895139, ClinGen allele CA280626.